The following is an entry in ClinVar:

NM_001304359.2(MUC5AC):c.15225C>T (p.Arg5075=)

Gene: MUC5AC (mucin 5AC, oligomeric mucus/gel-forming; plus strand). Cytogenetic location: 11p15.5.
Variant type: single nucleotide variant.
Coding change: c.15225C>T on transcript NM_001304359.2 (MANE Select); coding-DNA position 15225, C replaced by T.
Protein change: p.Arg5075=; no amino-acid change (arginine 5075 retained).
Molecular consequence: synonymous variant.
Genome position (GRCh38, 1-based): chr11:1,195,046, C>T. VCF-style: chr11-1195046-C-T. GRCh37 (hg19) VCF-style: chr11-1216272-C-T.
Identifiers: ClinVar variation 2641178 (VCV002641178.24), dbSNP rs373196265, ClinGen allele CA5803058.
Genomic context (GRCh38, chr11:1,195,046, plus strand): 5'-GCCTGACCCCCACCGCGTCTGCCCAGGCACTTGCACCAACGACAGGAAGGATGAGTGCCG[C>T]ACGCCTAGGGGGACGGTGGTCGCTTCCTGCTCCGAGATGTCCGGCCTCTGGAACGTGAGC-3'
Protein context (NP_001291288.1, residues 5065-5085): TCTNDRKDEC[Arg5075=]TPRGTVVASC

ClinVar aggregate classification (germline): Likely benign (1 of 4 stars; one submission).

Allele frequency attached by ClinVar (database versions not stated): 1000 Genomes Project 30x 0.00047; gnomAD 0.00060; ESP Exome Variant Server 0.00071; TOPMed 0.00076; 1000 Genomes Project 0.00080; gnomAD exomes 0.00082; ExAC 0.00173.
gnomAD v4.1: 597 of 750,610 alleles (0.08%); highest among the groups gnomAD compares: Admixed American, 0.16%; 3 homozygotes.

Submission:

CeGaT Center for Human Genetics Tuebingen
Classification: Likely benign. Last evaluated: 2023-03-01. Review status: criteria provided, single submitter. Criteria: CeGaT Center For Human Genetics Tuebingen Variant Classification Criteria Version 2. Collection method: clinical testing. Allele origin: germline. Affected: yes. Observed: 1 variant allele.
Comment: MUC5AC: BP4, BP7